The following is an entry in ClinVar:

ClinVar aggregate classification (germline): Uncertain significance (1 of 4 stars; one submission).

Submission:

GeneDx
Classification: Uncertain significance. Last evaluated: 2022-01-18. Review status: criteria provided, single submitter. Criteria: GeneDx Variant Classification Process June 2021. Collection method: clinical testing. Allele origin: germline. Affected: yes.
Comment: Not observed at significant frequency in large population cohorts (gnomAD); In silico analysis supports that this missense variant has a deleterious effect on protein structure/function; Has not been previously published as pathogenic or benign to our knowledge

NM_020297.4(ABCC9):c.3490G>A (p.Asp1164Asn)

Gene: ABCC9 (ATP binding cassette subfamily C member 9; minus strand). Cytogenetic location: 12p12.1.
Variant type: single nucleotide variant.
Coding change: c.3490G>A on transcript NM_020297.4 (MANE Select); coding-DNA position 3490, G replaced by A.
Protein change: p.Asp1164Asn; replaces aspartic acid 1164 with asparagine.
Molecular consequence: missense variant.
Genome position (GRCh38, 1-based): chr12:21,838,154, C>T on the plus strand (G>A on the coding strand, the complement: ABCC9 is on the minus strand). VCF-style: chr12-21838154-C-T. GRCh37 (hg19) VCF-style: chr12-21991088-C-T.
Other names: c.3490G>A, p.Asp1164Asn (NM_001377273.1, NM_005691.4); c.2623G>A, p.Asp875Asn (NM_001377274.1); short protein forms D1164N, D875N.
Identifiers: ClinVar variation 1697132 (VCV001697132.2), dbSNP rs2137338519, ClinGen allele CA384140686.